The following is an entry in ClinVar:

NM_033419.5(PGAP3):c.314C>T (p.Pro105Leu)

Gene: PGAP3 (post-GPI attachment to proteins phospholipase 3; minus strand). Cytogenetic location: 17q12.
Variant type: single nucleotide variant.
Coding change: c.314C>T on transcript NM_033419.5 (MANE Select); coding-DNA position 314, C replaced by T.
Protein change: p.Pro105Leu; replaces proline 105 with leucine.
Molecular consequence: missense variant. On other transcripts: intron variant (1).
Genome position (GRCh38, 1-based): chr17:39,684,715, G>A on the plus strand (C>T on the coding strand, the complement: PGAP3 is on the minus strand). VCF-style: chr17-39684715-G-A. GRCh37 (hg19) VCF-style: chr17-37840968-G-A.
Other names: c.314C>T, p.Pro105Leu (NM_001291728.2, NM_001291730.2, NM_001291732.2 and 1 more transcripts); c.279+1207C>T (NM_001291726.2); short protein forms P105L.
Identifiers: ClinVar variation 2136604 (VCV002136604.4), dbSNP rs371549948, ClinGen allele CA8533398.

ClinVar aggregate classification (germline): Uncertain significance (1 of 4 stars; one submission).

Allele frequency attached by ClinVar (database versions not stated): ExAC 0.00001; gnomAD 0.00001; TOPMed 0.00002; ESP Exome Variant Server 0.00008.

Submission:

Labcorp Genetics (formerly Invitae), Labcorp
Classification: Uncertain significance. Last evaluated: 2022-07-06. Review status: criteria provided, single submitter. Criteria: Invitae Variant Classification Sherloc (09022015). Collection method: clinical testing. Allele origin: germline.
Comment: In summary, the available evidence is currently insufficient to determine the role of this variant in disease. Therefore, it has been classified as a Variant of Uncertain Significance. This variant disrupts the p.Pro105 amino acid residue in PGAP3. Other variant(s) that disrupt this residue have been observed in individuals with PGAP3-related conditions (PMID: 24439110, 29531774), which suggests that this may be a clinically significant amino acid residue. Algorithms developed to predict the effect of missense changes on protein structure and function are either unavailable or do not agree on the potential impact of this missense change (SIFT: "Tolerated"; PolyPhen-2: "Probably Damaging"; Align-GVGD: "Class C0"). This variant has not been reported in the literature in individuals affected with PGAP3-related conditions. The frequency data for this variant in the population databases is considered unreliable, as metrics indicate poor data quality at this position in the gnomAD database. This sequence change replaces proline, which is neutral and non-polar, with leucine, which is neutral and non-polar, at codon 105 of the PGAP3 protein (p.Pro105Leu).

Literature cited by the submitters: PubMed 24439110; PubMed 29531774.